The following is an entry in ClinVar:

NM_003070.5(SMARCA2):c.692_727del (p.Gln231_Gln242del)

Gene: SMARCA2 (SWI/SNF related BAF chromatin remodeling complex subunit ATPase 2; plus strand). Cytogenetic location: 9p24.3.
Variant type: Deletion.
Coding change: c.692_727del on transcript NM_003070.5 (MANE Select); coding-DNA positions 692 to 727, 36 bases deleted.
Protein change: p.Gln231_Gln242del.
Genome position (GRCh38, 1-based): chr9:2,039,802-2,039,837, 36 bases deleted; deleting any 36 consecutive bases within chr9:2,039,791-2,039,837 gives the same sequence; the c. name uses the placement nearest the transcript's 3' end. GRCh37 (hg19): chr9:2,039,802-2,039,837.
Other names: c.692_727del, p.Gln231_Gln242del (NM_001289396.2, NM_001289397.2, NM_139045.4).
Identifiers: ClinVar variation 4527960 (VCV004527960.1).

ClinVar aggregate classification (germline): Uncertain significance (1 of 4 stars; one submission).

Submission:

GeneDx
Classification: Uncertain significance. Last evaluated: 2025-05-07. Review status: criteria provided, single submitter. Criteria: GeneDx Variant Classification Process June 2021. Collection method: clinical testing. Allele origin: germline. Affected: yes.
Comment: In-frame deletion of 12 amino acid(s) in a non-repeat region; In silico analysis supports a deleterious effect on protein structure/function; Has not been previously published as pathogenic or benign to our knowledge